The following is an entry in ClinVar:

NM_178844.4(NLRC3):c.1882G>A (p.Val628Ile)

Gene: NLRC3 (NLR family CARD domain containing 3; minus strand). Cytogenetic location: 16p13.3.
Variant type: single nucleotide variant.
Coding change: c.1882G>A on transcript NM_178844.4 (MANE Select); coding-DNA position 1882, G replaced by A.
Protein change: p.Val628Ile; replaces valine 628 with isoleucine.
Molecular consequence: missense variant. On other transcripts: non-coding transcript variant (1).
Genome position (GRCh38, 1-based): chr16:3,563,055, C>T on the plus strand (G>A on the coding strand, the complement: NLRC3 is on the minus strand). VCF-style: chr16-3563055-C-T. GRCh37 (hg19) VCF-style: chr16-3613056-C-T.
Other names: short protein forms V628I.
Identifiers: ClinVar variation 103360 (VCV000103360.2), dbSNP rs199475941, ClinGen allele CA230472.

ClinVar aggregate classification (germline): not provided (0 of 4 stars; one submission).

Allele frequency attached by ClinVar (database versions not stated): gnomAD exomes 0.00007 and 0.00016; gnomAD 0.00010 and 0.00013; TOPMed 0.00014; ExAC 0.00023; 1000 Genomes Project 30x 0.00031; 1000 Genomes Project 0.00040.
gnomAD v4.1: 117 of 1,561,192 alleles (0.0075%); highest among the groups gnomAD compares: East Asian, 0.12%; no homozygotes.

Submission:

Human Evolutionary Genetics, Institut Pasteur
No classification provided. Review status: no classification provided. Collection method: not provided. Allele origin: germline.
ClinVar note: Converted during submission from untested to not provided.